The following is an entry in ClinVar:

ClinVar aggregate classification (germline): Likely benign (1 of 4 stars; one submission).

Conditions:
CREBBP-related disorder. Also called: CREBBP-related disorders; CREBBP-related condition.

gnomAD v4.1: 1 of 1,614,220 alleles (0.000062%); highest among the groups gnomAD compares: African/African-American, 0.0013%; no homozygotes.

Submission:

PreventionGenetics, part of Exact Sciences
Classification: Likely benign for CREBBP-related condition. Last evaluated: 2025-02-25. Review status: criteria provided, single submitter. Criteria: ACMG Guidelines, 2015. Collection method: clinical testing. Allele origin: germline.
Comment: This variant is classified as likely benign based on ACMG/AMP sequence variant interpretation guidelines (Richards et al. 2015 PMID: 25741868, with internal and published modifications).

NM_004380.3(CREBBP):c.5475C>T (p.Leu1825=)

Gene: CREBBP (CREB binding lysine acetyltransferase; minus strand). Cytogenetic location: 16p13.3.
Variant type: single nucleotide variant.
Coding change: c.5475C>T on transcript NM_004380.3 (MANE Select); coding-DNA position 5475, C replaced by T.
Protein change: p.Leu1825=; no amino-acid change (leucine 1825 retained).
Molecular consequence: synonymous variant.
Genome position (GRCh38, 1-based): chr16:3,729,572, G>A on the plus strand (C>T on the coding strand, the complement: CREBBP is on the minus strand). VCF-style: chr16-3729572-G-A. GRCh37 (hg19) VCF-style: chr16-3779573-G-A.
Other names: c.5361C>T, p.Leu1787= (NM_001079846.1).
Identifiers: ClinVar variation 4978188 (VCV004978188.1).
Genomic context (GRCh38, chr16:3,729,572, plus strand): 5'-GTTGAGGCAGAAGGGCACGGGGCATTTGTTTTCTTGGCAGTGCTTGGCGTGGTAGCAGCA[G>A]AGGGCGATGAGCTGCTTGCACACCGGGCAGCCCCCGTTGGTCTTGCGTTTGCAGCCCTTG-3'
Protein context (NP_004371.2, residues 1815-1835): GCPVCKQLIA[Leu1825=]CCYHAKHCQE